The following is an entry in ClinVar:

ClinVar aggregate classification (germline): Conflicting classifications of pathogenicity. Review status: criteria provided, conflicting classifications (1 of 4 stars). 4 submissions from 4 submitters: Uncertain significance (3); Likely benign (1). Last evaluated 2026-01-06.

Conditions:
Hereditary breast ovarian cancer syndrome. Also called: Hereditary breast and/or ovarian cancer syndrome; Hereditary breast and ovarian cancer syndrome; Hereditary breast and ovarian cancer; Hereditary breast and ovarian cancer syndrome (HBOC); Breast and ovarian cancer; BRCA1- and BRCA2-Associated Hereditary Breast and Ovarian Cancer. Identifiers: Orphanet 145, MedGen C0677776, MeSH D061325, MONDO:0003582. Disease mechanism: loss of function.
Hereditary cancer-predisposing syndrome. Also called: Tumor predisposition; Hereditary Cancer Syndrome; Neoplastic Syndromes, Hereditary; Hereditary neoplastic syndrome. Identifiers: Orphanet 140162, MedGen C0027672, MeSH D009386, MONDO:0015356.

gnomAD v4.1: 2 of 1,613,672 alleles (0.00012%); highest among the groups gnomAD compares: South Asian, 0.0011%; no homozygotes.

Submissions (4):

Ambry Genetics
Classification: Uncertain significance for Hereditary cancer-predisposing syndrome. Last evaluated: 2026-01-06. Review status: criteria provided, single submitter. Criteria: Ambry Variant Classification Scheme 2023. Collection method: clinical testing. Allele origin: germline.
Comment: The p.D946Y variant (also known as c.2836G>T), located in coding exon 10 of the BRCA2 gene, results from a G to T substitution at nucleotide position 2836. The aspartic acid at codon 946 is replaced by tyrosine, an amino acid with highly dissimilar properties. This amino acid position is not well conserved in available vertebrate species. In addition, the in silico prediction for this alteration is inconclusive. Based on the available evidence, the clinical significance of this variant remains unclear.

Quest Diagnostics Nichols Institute San Juan Capistrano
Classification: Uncertain significance. Last evaluated: 2024-11-22. Review status: criteria provided, single submitter. Criteria: Quest Diagnostics criteria. Collection method: clinical testing. Allele origin: unknown.
Comment: The BRCA2 c.2836G>T (p.Asp946Tyr) variant has been reported in the published literature in an individual with lung cancer (PMID: 29625052 (2018)) and in a cohort of reportedly healthy individuals (PMID: 24728327 (2014)). It is also described to be located in a region of the BRCA2 gene that is tolerant to missense sequence changes (PMID: 31911673 (2020)). This variant has not been reported in large, multi-ethnic general populations (Genome Aggregation Database). Analysis of this variant using bioinformatics tools for the prediction of the effect of amino acid changes on protein structure and function yielded conflicting predictions that this variant is benign or damaging. Based on the available information, we are unable to determine the clinical significance of this variant.

University of Washington Department of Laboratory Medicine, University of Washington
Classification: Likely benign for Hereditary cancer-predisposing syndrome. Last evaluated: 2023-03-23. Review status: criteria provided, single submitter. Criteria: Dines et al. (Genet Med. 2020). Collection method: curation. Allele origin: germline.
Comment: Missense variant in a coldspot region where missense variants are very unlikely to be pathogenic (PMID:31911673).

BRCA2 exon 11 coldspot. Reclassification based on statistical prior probability.

Labcorp Genetics (formerly Invitae), Labcorp
Classification: Uncertain significance for Hereditary breast ovarian cancer syndrome. Last evaluated: 2020-01-15. Review status: criteria provided, single submitter. Criteria: Invitae Variant Classification Sherloc (09022015). Collection method: clinical testing. Allele origin: germline.
Comment: This variant has not been reported in the literature in individuals with BRCA2-related disease. This sequence change replaces aspartic acid with tyrosine at codon 946 of the BRCA2 protein (p.Asp946Tyr). The aspartic acid residue is moderately conserved and there is a large physicochemical difference between aspartic acid and tyrosine. This variant is not present in population databases (ExAC no frequency). Algorithms developed to predict the effect of missense changes on protein structure and function do not agree on the potential impact of this missense change (SIFT: "Deleterious"; PolyPhen-2: "Possibly Damaging"; Align-GVGD: "Class C0"). In summary, the available evidence is currently insufficient to determine the role of this variant in disease. Therefore, it has been classified as a Variant of Uncertain Significance.

Literature cited by the submitters: PubMed 31911673 (cited by Quest Diagnostics Nichols Institute San Juan Capistrano); PubMed 29625052 (cited by Quest Diagnostics Nichols Institute San Juan Capistrano); PubMed 24728327 (cited by Quest Diagnostics Nichols Institute San Juan Capistrano).

NM_000059.4(BRCA2):c.2836G>T (p.Asp946Tyr)

Gene: BRCA2 (BRCA2 DNA repair associated; plus strand). Cytogenetic location: 13q13.1.
Variant type: single nucleotide variant.
Coding change: c.2836G>T on transcript NM_000059.4 (MANE Select); coding-DNA position 2836, G replaced by T.
Protein change: p.Asp946Tyr; replaces aspartic acid 946 with tyrosine.
Molecular consequence: missense variant.
Genome position (GRCh38, 1-based): chr13:32,337,191, G>T. VCF-style: chr13-32337191-G-T. GRCh37 (hg19) VCF-style: chr13-32911328-G-T.
Other names: short protein forms D946Y.
Identifiers: ClinVar variation 531268 (VCV000531268.12), dbSNP rs80358534, ClinGen allele CA387773871.